The following is an entry in ClinVar:

ClinVar aggregate classification (germline): Uncertain significance (1 of 4 stars; one submission).

Submission:

Laboratory for Molecular Medicine, Mass General Brigham Personalized Medicine
Classification: Uncertain significance. Last evaluated: 2015-07-20. Review status: criteria provided, single submitter. Criteria: LMM Criteria. Collection method: clinical testing. Allele origin: germline. Observed: 1 variant allele.
Comment: The p.Glu519Lys variant in OTOGL has not been previously reported in individuals with hearing loss. Data from large population studies is insufficient to assess the frequency of this variant. Computational prediction tools and conservation analysis do not provide strong support for or against an impact to the protein. In summary, the clinical significance of the p.Glu519Lys variant is uncertain.

NM_001378609.3(OTOGL):c.1582G>A (p.Glu528Lys)

Gene: OTOGL (otogelin like; plus strand). Cytogenetic location: 12q21.31.
Variant type: single nucleotide variant.
Coding change: c.1582G>A on transcript NM_001378609.3 (MANE Select); coding-DNA position 1582, G replaced by A.
Protein change: p.Glu528Lys; replaces glutamic acid 528 with lysine.
Molecular consequence: missense variant.
Genome position (GRCh38, 1-based): chr12:80,255,180, G>A. VCF-style: chr12-80255180-G-A. GRCh37 (hg19) VCF-style: chr12-80648960-G-A.
Other names: c.1582G>A, p.Glu528Lys (NM_001368062.3, NM_001378610.3, NM_173591.7); short protein forms E519K, E528K.
Identifiers: ClinVar variation 229102 (VCV000229102.5), dbSNP rs876657942, ClinGen allele CA10576930.
Genomic context (GRCh38, chr12:80,255,180, plus strand): 5'-ATCCTCGTGAAAGGAACTGGAAAAGATAAATTCACGATTACTTTACAGAAAGCTCCCTGT[G>A]AGCAGGTAAGAACATTTCAAAATGACCAGAGGAATATGGATTCACTGATTTTTGCTTAAA-3'
Protein context (NP_001365538.2, residues 518-538): FTITLQKAPC[Glu528Lys]QNLGLVCLQS